The following is an entry in ClinVar:

ClinVar aggregate classification (germline): Uncertain significance (1 of 4 stars; one submission).

Submission:

Labcorp Genetics (formerly Invitae), Labcorp
Classification: Uncertain significance. Last evaluated: 2023-08-11. Review status: criteria provided, single submitter. Criteria: Invitae Variant Classification Sherloc (09022015). Collection method: clinical testing. Allele origin: germline.
Comment: This sequence change replaces arginine, which is basic and polar, with proline, which is neutral and non-polar, at codon 494 of the ANGPT1 protein (p.Arg494Pro). In summary, the available evidence is currently insufficient to determine the role of this variant in disease. Therefore, it has been classified as a Variant of Uncertain Significance. An algorithm developed to predict the effect of missense changes on protein structure and function (PolyPhen-2) suggests that this variant is likely to be disruptive. This variant has not been reported in the literature in individuals affected with ANGPT1-related conditions. This variant is not present in population databases (gnomAD no frequency).

NM_001146.5(ANGPT1):c.1481G>C (p.Arg494Pro)

Gene: ANGPT1 (angiopoietin 1; minus strand). Cytogenetic location: 8q23.1.
Variant type: single nucleotide variant.
Coding change: c.1481G>C on transcript NM_001146.5 (MANE Select); coding-DNA position 1481, G replaced by C.
Protein change: p.Arg494Pro; replaces arginine 494 with proline.
Molecular consequence: missense variant.
Genome position (GRCh38, 1-based): chr8:107,251,871, C>G on the plus strand (G>C on the coding strand, the complement: ANGPT1 is on the minus strand). VCF-style: chr8-107251871-C-G. GRCh37 (hg19) VCF-style: chr8-108264099-C-G.
Other names: c.1478G>C, p.Arg493Pro (NM_001199859.3); c.881G>C, p.Arg294Pro (NM_001314051.2); short protein forms R294P, R493P, R494P.
Identifiers: ClinVar variation 2752168 (VCV002752168.3), dbSNP rs377442517, ClinGen allele CA372033575.
Genomic context (GRCh38, chr8:107,251,871, plus strand): 5'-CGGATTTCTTTGTTGCTTTCATAATCGCTTCTGACATTGCGCTTTCAAAAATCTAAAGGT[C>G]GAATCATCATAGTTGTGGAACGTAAGGAGTAACTGGGCCCTTTGAAGTAGTGCCACTTTA-3'
Protein context (NP_001137.2, residues 484-498): YSLRSTTMMI[Arg494Pro]PLDF